The following is an entry in ClinVar:

ClinVar aggregate classification (germline): Conflicting classifications of pathogenicity. Review status: criteria provided, conflicting classifications (1 of 4 stars). 2 submissions from 2 submitters: Uncertain significance (1); Likely benign (1). Last evaluated 2023-11-08.

Allele frequency attached by ClinVar (database versions not stated): gnomAD exomes below 0.00001; ExAC 0.00001; gnomAD 0.00001; TOPMed 0.00003.

Submissions (2):

Labcorp Genetics (formerly Invitae), Labcorp
Classification: Likely benign. Last evaluated: 2023-11-08. Review status: criteria provided, single submitter. Criteria: Invitae Variant Classification Sherloc (09022015). Collection method: clinical testing. Allele origin: germline.

Ambry Genetics
Classification: Uncertain significance. Last evaluated: 2021-10-14. Review status: criteria provided, single submitter. Criteria: Ambry Variant Classification Scheme 2023. Collection method: clinical testing. Allele origin: germline.
Comment: The c.89-4delG intronic variant, located in intron 2 of the RINT1 gene, results from a deletion of one nucleotide within intron 2 of the RINT1 gene. This nucleotide position is poorly conserved in available vertebrate species. In silico splice site analysis predicts that this alteration will not have any significant effect on splicing. Since supporting evidence is limited at this time, the clinical significance of this alteration remains unclear.

NM_021930.6(RINT1):c.89-4del

Gene: RINT1 (RAD50 interactor 1; plus strand). Cytogenetic location: 7q22.3.
Variant type: Deletion.
Coding change: c.89-4del on transcript NM_021930.6 (MANE Select); 4 bases into the intron before coding-DNA position 89, one base deleted (G; older notation c.89-4delG).
Molecular consequence: intron variant.
Genome position (GRCh38, 1-based): chr7:105,536,561, G deleted. VCF-style (leftmost placement, unchanged base first): chr7-105536560-TG-T. GRCh37 (hg19) VCF-style: chr7-105177007-TG-T.
Other names: c.-931-4del (NM_001346600.2); c.-834-4del (NM_001346601.2); c.-454-4del (NM_001346603.2); c.-9-4del (NM_001346599.2); c.89-4delG (NM_021930.4).
Identifiers: ClinVar variation 835544 (VCV000835544.12), dbSNP rs755970186, ClinGen allele CA4426352.